The following is an entry in ClinVar:

ClinVar aggregate classification (germline): Uncertain significance (1 of 4 stars; one submission).

Submission:

Labcorp Genetics (formerly Invitae), Labcorp
Classification: Uncertain significance. Last evaluated: 2022-06-19. Review status: criteria provided, single submitter. Criteria: Invitae Variant Classification Sherloc (09022015). Collection method: clinical testing. Allele origin: germline.
Comment: In summary, the available evidence is currently insufficient to determine the role of this variant in disease. Therefore, it has been classified as a Variant of Uncertain Significance. Advanced modeling of protein sequence and biophysical properties (such as structural, functional, and spatial information, amino acid conservation, physicochemical variation, residue mobility, and thermodynamic stability) performed at Invitae indicates that this missense variant is not expected to disrupt NEFH protein function. This variant has not been reported in the literature in individuals affected with NEFH-related conditions. This variant is not present in population databases (gnomAD no frequency). This sequence change replaces glutamic acid, which is acidic and polar, with aspartic acid, which is acidic and polar, at codon 237 of the NEFH protein (p.Glu237Asp).

NM_021076.4(NEFH):c.711G>C (p.Glu237Asp)

Gene: NEFH (neurofilament heavy chain; plus strand). Cytogenetic location: 22q12.2.
Variant type: single nucleotide variant.
Coding change: c.711G>C on transcript NM_021076.4 (MANE Select); coding-DNA position 711, G replaced by C.
Protein change: p.Glu237Asp; replaces glutamic acid 237 with aspartic acid.
Molecular consequence: missense variant.
Genome position (GRCh38, 1-based): chr22:29,480,973, G>C. VCF-style: chr22-29480973-G-C. GRCh37 (hg19) VCF-style: chr22-29876962-G-C.
Other names: short protein forms E237D.
Identifiers: ClinVar variation 1509823 (VCV001509823.6), dbSNP rs769680166, ClinGen allele CA411123761.